The following is an entry in ClinVar:

ClinVar aggregate classification (germline): Conflicting classifications of pathogenicity. Review status: criteria provided, conflicting classifications (1 of 4 stars). 7 submissions from 7 submitters: Uncertain significance (1); Benign (1); Likely benign (3). 2 of the submissions do not count toward it. Last evaluated 2026-02-03.

Conditions:
PEX5-related disorder. Also called: PEX5-Related Disorders; PEX5-related condition.
Peroxisome biogenesis disorder 2A (Zellweger) (PBD2A). Also called: Cerebrohepatorenal syndrome, variant types. Identifiers: Orphanet 912, MedGen C3550273, MONDO:0008954, OMIM 214110.
Peroxisome biogenesis disorder 2B (PBD2B). Identifiers: Orphanet 44, MedGen C3550234, MONDO:0008736, OMIM 202370.

Allele frequency attached by ClinVar (database versions not stated): 1000 Genomes Project 30x 0.00016; 1000 Genomes Project 0.00020; TOPMed 0.00162; gnomAD 0.00204 and 0.00209; gnomAD exomes 0.00210 and 0.00310; ESP Exome Variant Server 0.00215; ExAC 0.00231.
gnomAD v4.1: 4,790 of 1,613,972 alleles (0.3%); highest among the groups gnomAD compares: Non-Finnish European, 0.37%; 13 homozygotes.

Submissions (7):

Labcorp Genetics (formerly Invitae), Labcorp
Classification: Benign for Peroxisome biogenesis disorder 2B. Last evaluated: 2026-02-03. Review status: criteria provided, single submitter. Criteria: Invitae Variant Classification Sherloc (09022015). Collection method: clinical testing. Allele origin: germline.

Blueprint Genetics
Classification: Likely benign. Last evaluated: 2024-11-21. Review status: criteria provided, single submitter. Criteria: ACMG Guidelines, 2015. Collection method: clinical testing. Allele origin: germline.

CeGaT Center for Human Genetics Tuebingen
Classification: Likely benign. Last evaluated: 2023-11-01. Review status: criteria provided, single submitter. Criteria: CeGaT Center For Human Genetics Tuebingen Variant Classification Criteria Version 2. Collection method: clinical testing. Allele origin: germline. Affected: yes. Observed: 2 variant alleles.
Comment: PEX5: BS2

Illumina Laboratory Services, Illumina
Classification: Uncertain significance for Peroxisome biogenesis disorder 2A (Zellweger). Last evaluated: 2018-01-12. Review status: criteria provided, single submitter. Criteria: ICSL Variant Classification Criteria 13 December 2019. Collection method: clinical testing. Allele origin: germline.

Eurofins Ntd Llc (ga)
Classification: Likely benign. Last evaluated: 2016-07-15. Review status: criteria provided, single submitter. Criteria: EGL Classification Definitions 2015. Collection method: clinical testing. Allele origin: germline. Observed: 1 variant allele, 1 heterozygote.

PreventionGenetics, part of Exact Sciences
Classification: Likely benign for PEX5-related condition. Last evaluated: 2022-04-11. Review status: no assertion criteria provided. Collection method: clinical testing. Allele origin: germline. Not counted in ClinVar's aggregate classification.
Comment: This variant is classified as likely benign based on ACMG/AMP sequence variant interpretation guidelines (Richards et al. 2015 PMID: 25741868, with internal and published modifications).

Mayo Clinic Laboratories, Mayo Clinic
Classification: Likely benign. Last evaluated: 2017-12-07. Review status: no assertion criteria provided. Collection method: clinical testing. Allele origin: unknown. Not counted in ClinVar's aggregate classification.

NM_001351132.2(PEX5):c.604G>C (p.Val202Leu)

Gene: PEX5 (peroxisomal biogenesis factor 5; plus strand). Cytogenetic location: 12p13.31.
Variant type: single nucleotide variant.
Coding change: c.604G>C on transcript NM_001351132.2 (MANE Select); coding-DNA position 604, G replaced by C.
Protein change: p.Val202Leu; replaces valine 202 with leucine.
Molecular consequence: missense variant.
Genome position (GRCh38, 1-based): chr12:7,201,803, G>C. VCF-style: chr12-7201803-G-C. GRCh37 (hg19) VCF-style: chr12-7354399-G-C.
Other names: c.604G>C, p.Val202Leu (NM_000319.5, NM_001131024.2, NM_001131025.2 and 19 more transcripts); c.649G>C, p.Val217Leu (NM_001131023.2, NM_001351135.3, NM_001351138.2); short protein forms V202L, V217L.
Identifiers: ClinVar variation 289541 (VCV000289541.64), dbSNP rs149102738, ClinGen allele CA6426202.